The following is an entry in ClinVar:

NM_004380.3(CREBBP):c.6168del (p.Gln2057fs)

Gene: CREBBP (CREB binding lysine acetyltransferase; minus strand). Cytogenetic location: 16p13.3.
Variant type: Deletion.
Coding change: c.6168del on transcript NM_004380.3 (MANE Select); coding-DNA position 6168, one base deleted (G; older notation c.6168delG).
Protein change: p.Gln2057fs; shifts the reading frame from glutamine 2057.
Molecular consequence: frameshift variant.
Genome position (GRCh38, 1-based): chr16:3,728,879, C deleted on the plus strand (G on the coding strand, the reverse complement: CREBBP is on the minus strand). VCF-style (leftmost placement, unchanged base first): chr16-3728878-GC-G. GRCh37 (hg19) VCF-style: chr16-3778879-GC-G.
Other names: c.6054del, p.Gln2019fs (NM_001079846.1); short protein forms Q2019fs, Q2057fs.
Identifiers: ClinVar variation 4530118 (VCV004530118.1).

ClinVar aggregate classification (somatic clinical impact): Tier II - Potential (1 of 4 stars; one submission).

Conditions:
Medulloblastoma non-WNT/non-SHH. Identifiers: MedGen C4330667, MONDO:0850198.

Submission:

Institute for Genomic Medicine (IGM) Clinical Laboratory, Nationwide Children's Hospital
Classification: Tier II - Potential for Medulloblastoma non-WNT/non-SHH. Assertion type: diagnostic. Clinical significance: supports diagnosis. Last evaluated: 2025-06-09. Review status: criteria provided, single submitter. Criteria: AMP/ASCO/CAP Guidelines, 2017. Collection method: clinical testing. Allele origin: somatic. Affected: yes.
Comment: Variant has Tier II (potential) clinical significance as a diagnostic inclusion criterion in medulloblastoma non-WNT/non-SHH, based on the following evidence: 1) Diagnostic significance based on multiple small studies (Evidence Level C; PMIDs: 22722829, 28726821, 24710217, 33741928).

Literature cited by the submitters: PubMed 22722829; PubMed 28726821; PubMed 24710217; PubMed 33741928.